The following is an entry in ClinVar:

ClinVar aggregate classification (germline): Uncertain significance (1 of 4 stars; one submission).

Conditions:
Hereditary cancer-predisposing syndrome. Also called: Tumor predisposition; Hereditary neoplastic syndrome; Neoplastic Syndromes, Hereditary; Hereditary Cancer Syndrome. Identifiers: Orphanet 140162, MedGen C0027672, MeSH D009386, MONDO:0015356.

Submission:

Ambry Genetics
Classification: Uncertain significance for Hereditary cancer-predisposing syndrome. Last evaluated: 2024-04-12. Review status: criteria provided, single submitter. Criteria: Ambry Variant Classification Scheme 2023. Collection method: clinical testing. Allele origin: germline.
Comment: The p.I507T variant (also known as c.1520T>C), located in coding exon 10 of the MSH3 gene, results from a T to C substitution at nucleotide position 1520. The isoleucine at codon 507 is replaced by threonine, an amino acid with similar properties. This amino acid position is highly conserved in available vertebrate species. In addition, this alteration is predicted to be deleterious by in silico analysis. Since supporting evidence is limited at this time, the clinical significance of this alteration remains unclear.

NM_002439.5(MSH3):c.1520T>C (p.Ile507Thr)

Gene: MSH3 (mutS homolog 3; plus strand). Cytogenetic location: 5q14.1.
Variant type: single nucleotide variant.
Coding change: c.1520T>C on transcript NM_002439.5 (MANE Select); coding-DNA position 1520, T replaced by C.
Protein change: p.Ile507Thr; replaces isoleucine 507 with threonine.
Molecular consequence: missense variant.
Genome position (GRCh38, 1-based): chr5:80,728,917, T>C. VCF-style: chr5-80728917-T-C. GRCh37 (hg19) VCF-style: chr5-80024736-T-C.
Other names: short protein forms I507T.
Identifiers: ClinVar variation 819426 (VCV000819426.5), dbSNP rs1580589391, ClinGen allele CA360274279.
Genomic context (GRCh38, chr5:80,728,917, plus strand): 5'-AAATTATTTCTGGCATTGTTAACTTAGAGAAGCCTGTGATTTGCTCTTTGGCTGCCATCA[T>C]AAAATACCTCAAAGAATTCAACTTGGAAAAGATGCTCTCCAAACCTGAGTAAGTGATTCC-3'
Protein context (NP_002430.3, residues 497-517): KPVICSLAAI[Ile507Thr]KYLKEFNLEK